The following is an entry in ClinVar:

NM_003504.5(CDC45):c.372C>A (p.Asp124Glu)

Gene: CDC45 (cell division cycle 45; plus strand). Cytogenetic location: 22q11.21.
Variant type: single nucleotide variant.
Coding change: c.372C>A on transcript NM_003504.5 (MANE Select); coding-DNA position 372, C replaced by A.
Protein change: p.Asp124Glu; replaces aspartic acid 124 with glutamic acid.
Molecular consequence: missense variant. On other transcripts: non-coding transcript variant (1).
Genome position (GRCh38, 1-based): chr22:19,483,891, C>A. VCF-style: chr22-19483891-C-A. GRCh37 (hg19) VCF-style: chr22-19471414-C-A.
Other names: c.372C>A, p.Asp124Glu (NM_001178010.2); c.234C>A, p.Asp78Glu (NM_001178011.2); c.336C>A, p.Asp112Glu (NM_001369291.1); c.372C>A (NM_001178010.1); short protein forms D124E, D78E, D112E.
Identifiers: ClinVar variation 596683 (VCV000596683.12), dbSNP rs200034634, ClinGen allele CA10101027.

ClinVar aggregate classification (germline): Uncertain significance. Review status: criteria provided, multiple submitters, no conflicts (2 of 4 stars). 4 submissions from 4 submitters: Uncertain significance (4). Last evaluated 2024-10-29.

Conditions:
Inborn genetic diseases. Identifiers: MedGen C0950123, MeSH D030342.

Allele frequency attached by ClinVar (database versions not stated): TOPMed 0.00010; ExAC 0.00007; gnomAD exomes 0.00009; gnomAD 0.00011.
gnomAD v4.1: 195 of 1,612,452 alleles (0.012%); highest among the groups gnomAD compares: Middle Eastern, 0.016%; no homozygotes.

Submissions (4):

Ambry Genetics
Classification: Uncertain significance for Inborn genetic diseases. Last evaluated: 2024-10-29. Review status: criteria provided, single submitter. Criteria: Ambry Variant Classification Scheme 2023. Collection method: clinical testing. Allele origin: germline.

GeneDx
Classification: Uncertain significance. Last evaluated: 2023-08-07. Review status: criteria provided, single submitter. Criteria: GeneDx Variant Classification Process June 2021. Collection method: clinical testing. Allele origin: germline. Affected: yes.
Comment: In silico analysis supports that this missense variant does not alter protein structure/function; Has not been previously published as pathogenic or benign to our knowledge

Labcorp Genetics (formerly Invitae), Labcorp
Classification: Uncertain significance. Last evaluated: 2022-08-08. Review status: criteria provided, single submitter. Criteria: Invitae Variant Classification Sherloc (09022015). Collection method: clinical testing. Allele origin: germline.
Comment: This sequence change replaces aspartic acid, which is acidic and polar, with glutamic acid, which is acidic and polar, at codon 124 of the CDC45 protein (p.Asp124Glu). This variant is present in population databases (rs200034634, gnomAD 0.02%). This variant has not been reported in the literature in individuals affected with CDC45-related conditions. ClinVar contains an entry for this variant (Variation ID: 596683). Algorithms developed to predict the effect of missense changes on protein structure and function are either unavailable or do not agree on the potential impact of this missense change (SIFT: "Deleterious"; PolyPhen-2: "Benign"; Align-GVGD: "Class C35"). In summary, the available evidence is currently insufficient to determine the role of this variant in disease. Therefore, it has been classified as a Variant of Uncertain Significance.

Eurofins Ntd Llc (ga)
Classification: Uncertain significance. Last evaluated: 2018-03-22. Review status: criteria provided, single submitter. Criteria: EGL ClinVar v180209 classification definitions. Collection method: clinical testing. Allele origin: germline. Observed: 1 variant allele, 1 heterozygote.